The following is an entry in ClinVar:

ClinVar aggregate classification (germline): Uncertain significance. Review status: criteria provided, multiple submitters, no conflicts (2 of 4 stars). 2 submissions from 2 submitters: Uncertain significance (2). Last evaluated 2025-07-15.

Allele frequency attached by ClinVar (database versions not stated): ExAC 0.00002; gnomAD exomes 0.00002; gnomAD 0.00007; ESP Exome Variant Server 0.00008.
gnomAD v4.1: 39 of 1,614,034 alleles (0.0024%); highest among the groups gnomAD compares: Admixed American, 0.0033%; no homozygotes.

Submissions (2):

Labcorp Genetics (formerly Invitae), Labcorp
Classification: Uncertain significance. Last evaluated: 2025-07-15. Review status: criteria provided, single submitter. Criteria: Invitae Variant Classification Sherloc (09022015). Collection method: clinical testing. Allele origin: germline.
Comment: This sequence change replaces alanine, which is neutral and non-polar, with threonine, which is neutral and polar, at codon 656 of the ADGRE2 protein (p.Ala656Thr). This variant is present in population databases (rs143530914, gnomAD 0.006%). This variant has not been reported in the literature in individuals affected with ADGRE2-related conditions. ClinVar contains an entry for this variant (Variation ID: 2469758). An algorithm developed to predict the effect of missense changes on protein structure and function (PolyPhen-2) suggests that this variant is likely to be disruptive. In summary, the available evidence is currently insufficient to determine the role of this variant in disease. Therefore, it has been classified as a Variant of Uncertain Significance.

Ambry Genetics
Classification: Uncertain significance. Last evaluated: 2025-02-04. Review status: criteria provided, single submitter. Criteria: Ambry Variant Classification Scheme 2023. Collection method: clinical testing. Allele origin: germline.

NM_013447.4(ADGRE2):c.1966G>A (p.Ala656Thr)

Gene: ADGRE2 (adhesion G protein-coupled receptor E2; minus strand). Cytogenetic location: 19p13.12.
Variant type: single nucleotide variant.
Coding change: c.1966G>A on transcript NM_013447.4 (MANE Select); coding-DNA position 1966, G replaced by A.
Protein change: p.Ala656Thr; replaces alanine 656 with threonine.
Molecular consequence: missense variant.
Genome position (GRCh38, 1-based): chr19:14,751,494, C>T on the plus strand (G>A on the coding strand, the complement: ADGRE2 is on the minus strand). VCF-style: chr19-14751494-C-T. GRCh37 (hg19) VCF-style: chr19-14862306-C-T.
Other names: c.1792G>A, p.Ala598Thr (NM_001271052.1); c.1819G>A, p.Ala607Thr (NM_152916.2); c.1687G>A, p.Ala563Thr (NM_152917.2); short protein forms A563T, A598T, A607T, A656T.
Identifiers: ClinVar variation 2469758 (VCV002469758.6), dbSNP rs143530914, ClinGen allele CA9257552.